The following is an entry in ClinVar:

ClinVar aggregate classification (germline): Likely pathogenic. Review status: criteria provided, multiple submitters, no conflicts (2 of 4 stars). 2 submissions from 2 submitters: Likely pathogenic (2). Last evaluated 2021-10-18.

Conditions:
Hereditary cancer-predisposing syndrome. Also called: Neoplastic Syndromes, Hereditary; Tumor predisposition; Hereditary Cancer Syndrome; Hereditary neoplastic syndrome. Identifiers: Orphanet 140162, MedGen C0027672, MeSH D009386, MONDO:0015356.

Allele frequency attached by ClinVar (database versions not stated): gnomAD exomes below 0.00001; TOPMed below 0.00001.
gnomAD v4.1: 1 of 1,614,120 alleles (0.000062%); highest among the groups gnomAD compares: Non-Finnish European, 0.000085%; no homozygotes.

Submissions (2):

Labcorp Genetics (formerly Invitae), Labcorp
Classification: Likely pathogenic for Hereditary cancer-predisposing syndrome. Last evaluated: 2021-10-18. Review status: criteria provided, single submitter. Criteria: Invitae Variant Classification Sherloc (09022015). Collection method: clinical testing. Allele origin: germline.
Comment: This sequence change affects a donor splice site in intron 23 of the RAD50 gene. It is expected to disrupt RNA splicing and likely results in an absent or disrupted protein product. This variant is not present in population databases (ExAC no frequency). This variant has not been reported in the literature in individuals with RAD50-related conditions. ClinVar contains an entry for this variant (Variation ID: 141668). Algorithms developed to predict the effect of sequence changes on RNA splicing suggest that this variant may disrupt the consensus splice site, but this prediction has not been confirmed by published transcriptional studies. Donor and acceptor splice site variants typically lead to a loss of protein function (PMID: 16199547), and loss-of-function variants in RAD50 are known to be pathogenic (PMID: 16385572, 19409520). In summary, the currently available evidence indicates that the variant is pathogenic, but additional data are needed to prove that conclusively. Therefore, this variant has been classified as Likely Pathogenic.

Ambry Genetics
Classification: Likely pathogenic for Hereditary cancer-predisposing syndrome. Last evaluated: 2020-10-06. Review status: criteria provided, single submitter. Criteria: Ambry Variant Classification Scheme 2023. Collection method: clinical testing. Allele origin: germline.
Comment: The c.3618+1G>A intronic variant results from a G to A substitution one nucleotide after coding exon 23 of the RAD50 gene. This nucleotide position is highly conserved in available vertebrate species. In silico splice site analysis predicts that this alteration will weaken the native splice donor site. Alterations that disrupt the canonical splice site are expected to cause aberrant splicing, resulting in an abnormal protein or a transcript that is subject to nonsense-mediated mRNA decay. As such, this alteration is classified as likely pathogenic.

Literature cited by the submitters: PubMed 16199547 (cited by Labcorp Genetics (formerly Invitae), Labcorp); PubMed 16385572 (cited by Labcorp Genetics (formerly Invitae), Labcorp); PubMed 19409520 (cited by Labcorp Genetics (formerly Invitae), Labcorp).

NM_005732.4(RAD50):c.3618+1G>A

Genes: TH2-LCR (Th2 cytokine locus control region; plus strand), TH2LCRR (T helper type 2 locus control region associated RNA; minus strand), RAD50 (RAD50 double strand break repair protein; plus strand). Cytogenetic location: 5q31.1.
Variant type: single nucleotide variant.
Coding change: c.3618+1G>A on transcript NM_005732.4 (MANE Select); the canonical splice donor site of the intron after coding-DNA position 3618, G replaced by A.
Molecular consequence: splice donor variant. On other transcripts: non-coding transcript variant (3).
Genome position (GRCh38, 1-based): chr5:132,638,224, G>A. VCF-style: chr5-132638224-G-A. GRCh37 (hg19) VCF-style: chr5-131973916-G-A.
Identifiers: ClinVar variation 141668 (VCV000141668.13), dbSNP rs587781925, ClinGen allele CA166086.